The following is an entry in ClinVar:

ClinVar aggregate classification (germline): Uncertain significance. Review status: criteria provided, multiple submitters, no conflicts (2 of 4 stars). 2 submissions from 2 submitters: Uncertain significance (2). Last evaluated 2024-09-16.

Conditions:
Hereditary spastic paraplegia 30. Identifiers: Orphanet 101010, MedGen C5235139, MONDO:0012476.
Neuropathy, hereditary sensory, type 2C. Also called: Hereditary sensory and autonomic neuropathy type IIC; KIF1A-Related HSAN2 (HSAN2C). Identifiers: Orphanet 970, MedGen C3280168, MONDO:0013634, OMIM 614213.
Intellectual disability, autosomal dominant 9 (NESCAVS). Also called: NESCAV SYNDROME; KIF1A-Related Neurodevelopmental Disorder. Identifiers: Orphanet 662367, MedGen C5393830, MONDO:0013656, OMIM 614255.

Allele frequency attached by ClinVar (database versions not stated): TOPMed below 0.00001.

Submissions (2):

Labcorp Genetics (formerly Invitae), Labcorp
Classification: Uncertain significance for Hereditary spastic paraplegia 30; Neuropathy, hereditary sensory, type 2C; Intellectual disability, autosomal dominant 9. Last evaluated: 2024-09-16. Review status: criteria provided, single submitter. Criteria: Invitae Variant Classification Sherloc (09022015). Collection method: clinical testing. Allele origin: germline.
Comment: This sequence change replaces glutamic acid, which is acidic and polar, with lysine, which is basic and polar, at codon 598 of the KIF1A protein (p.Glu598Lys). This variant is not present in population databases (gnomAD no frequency). This variant has not been reported in the literature in individuals affected with KIF1A-related conditions. ClinVar contains an entry for this variant (Variation ID: 844447). Invitae Evidence Modeling of protein sequence and biophysical properties (such as structural, functional, and spatial information, amino acid conservation, physicochemical variation, residue mobility, and thermodynamic stability) has been performed for this missense variant. However, the output from this modeling did not meet the statistical confidence thresholds required to predict the impact of this variant on KIF1A protein function. In summary, the available evidence is currently insufficient to determine the role of this variant in disease. Therefore, it has been classified as a Variant of Uncertain Significance.

GeneDx
Classification: Uncertain significance. Last evaluated: 2022-04-29. Review status: criteria provided, single submitter. Criteria: GeneDx Variant Classification Process June 2021. Collection method: clinical testing. Allele origin: germline. Affected: yes.
Comment: Not observed at significant frequency in large population cohorts (gnomAD); In silico analysis supports that this missense variant has a deleterious effect on protein structure/function; Has not been previously published as pathogenic or benign to our knowledge; This variant is associated with the following publications: (PMID: 21820098)

NM_001244008.2(KIF1A):c.1819G>A (p.Glu607Lys)

Gene: KIF1A (kinesin family member 1A; minus strand). Cytogenetic location: 2q37.3.
Variant type: single nucleotide variant.
Coding change: c.1819G>A on transcript NM_001244008.2 (MANE Select); coding-DNA position 1819, G replaced by A.
Protein change: p.Glu607Lys; replaces glutamic acid 607 with lysine.
Molecular consequence: missense variant.
Genome position (GRCh38, 1-based): chr2:240,763,296, C>T on the plus strand (G>A on the coding strand, the complement: KIF1A is on the minus strand). VCF-style: chr2-240763296-C-T. GRCh37 (hg19) VCF-style: chr2-241702713-C-T.
Other names: c.1819G>A, p.Glu607Lys (NM_001320705.2, NM_001330289.2, NM_001379638.1); c.1894G>A, p.Glu632Lys (NM_001330290.2, NM_001379631.1, NM_001379634.1 and 2 more transcripts); c.1792G>A, p.Glu598Lys (NM_001379632.1, NM_001379633.1, NM_001379636.1 and 10 more transcripts); c.1867G>A, p.Glu623Lys (NM_001379637.1, NM_001379648.1); short protein forms E632K, E607K, E598K, E623K.
Identifiers: ClinVar variation 844447 (VCV000844447.11), dbSNP rs2050754546, ClinGen allele CA351327212.